The following is an entry in ClinVar:

ClinVar aggregate classification (germline): Pathogenic/Likely pathogenic. Review status: criteria provided, multiple submitters, no conflicts (2 of 4 stars). 7 submissions from 7 submitters: Pathogenic (2); Likely pathogenic (4). 1 of the submissions does not count toward it. Last evaluated 2025-01-22.

Conditions:
ACADM-related disorder. Also called: ACADM-related condition.
Medium-chain acyl-coenzyme A dehydrogenase deficiency (ACADMD). Also called: MCADH DEFICIENCY; MCAD Deficiency; MCADD; CARNITINE DEFICIENCY SECONDARY TO MEDIUM-CHAIN ACYL-CoA DEHYDROGENASE DEFICIENCY; ACADM DEFICIENCY; Medium chain acyl-CoA dehydrogenase deficiency. Identifiers: Orphanet 42, MedGen C0220710, MONDO:0008721, OMIM 201450.

Allele frequency attached by ClinVar (database versions not stated): gnomAD 0.00001.

Submissions (7):

Natera, Inc.
Classification: Likely pathogenic for Medium Chain Acyl-CoA Dehydrogenase Deficiency. Last evaluated: 2025-01-22. Review status: criteria provided, single submitter. Criteria: Natera Variant Classification Schema (03/2026). Collection method: clinical testing. Allele origin: germline.
Comment: The c.447G>A variant in ACADM is a missense variant predicted to cause substitution of methionine to isoleucine at amino acid 149. This variant is rare in the general population with a frequency below the threshold expected for the associated phenotype(s). This variant has been observed in one or more individuals affected with the associated recessive disease, as either homozygous or compound heterozygous with a second variant (PMID: 31836396, 1684086, 9158144). Given the available evidence, this variant is classified as Likely Pathogenic.

Fulgent Genetics
Classification: Likely pathogenic for Medium-chain acyl-coenzyme A dehydrogenase deficiency. Last evaluated: 2024-03-21. Review status: criteria provided, single submitter. Criteria: ACMG Guidelines, 2015. Collection method: clinical testing. Allele origin: germline.

PreventionGenetics, part of Exact Sciences
Classification: Likely pathogenic for ACADM-related condition. Last evaluated: 2023-08-31. Review status: criteria provided, single submitter. Criteria: ACMG Guidelines, 2015. Collection method: clinical testing. Allele origin: germline.
Comment: The ACADM c.447G>A variant is predicted to result in the amino acid substitution p.Met149Ile. This variant has been reported, along with the common c.985A>G (p.Lys329Glu) variant, in patients with medium chain acyl-CoA dehydrogenase deficiency (MCADD), one of whom presented with clinical symptoms before newborn screening was completed (Yokota et al 1991. PubMed ID: 1684086; Andresen et al. 1997. PubMed ID: 9158144, described as M124I based on legacy nomenclature; Anderson et al. 2020. PubMed ID: 31836396). The c.447G>A and c.985A>G variants were reported to segregate with disease in siblings in two unrelated families. All four reported siblings were clinically asymptomatic (Andresen et al. 1997. PubMed ID: 9158144). In an expression study using E. coli cells, the p.Met149Ile substitution was reported to greatly reduce enzyme activity relative to control (Andresen et al. 1997. PubMed ID: 9158144). We have also observed this variant internally, in the compound heterozygous state with the c.985A>G variant, in more than one patient with positive newborn screen results for MCADD. Taken together, this variant is interpreted as likely pathogenic.

Baylor Genetics
Classification: Likely pathogenic for Medium-chain acyl-coenzyme A dehydrogenase deficiency. Last evaluated: 2023-04-12. Review status: criteria provided, single submitter. Criteria: ACMG Guidelines, 2015. Collection method: clinical testing. Allele origin: unknown.

Labcorp Genetics (formerly Invitae), Labcorp
Classification: Pathogenic for Medium-chain acyl-coenzyme A dehydrogenase deficiency. Last evaluated: 2022-11-25. Review status: criteria provided, single submitter. Criteria: Invitae Variant Classification Sherloc (09022015). Collection method: clinical testing. Allele origin: germline.
Comment: This sequence change replaces methionine, which is neutral and non-polar, with isoleucine, which is neutral and non-polar, at codon 149 of the ACADM protein (p.Met149Ile). For these reasons, this variant has been classified as Pathogenic. Advanced modeling of protein sequence and biophysical properties (such as structural, functional, and spatial information, amino acid conservation, physicochemical variation, residue mobility, and thermodynamic stability) performed at Invitae indicates that this missense variant is not expected to disrupt ACADM protein function. ClinVar contains an entry for this variant (Variation ID: 3591). This missense change has been observed in individual(s) with MCAD deficiency (PMID: 1684086, 9158144). In at least one individual the data is consistent with being in trans (on the opposite chromosome) from a pathogenic variant. It has also been observed to segregate with disease in related individuals. This variant is not present in population databases (gnomAD no frequency).

Eurofins Ntd Llc (ga)
Classification: Pathogenic. Last evaluated: 2014-06-13. Review status: criteria provided, single submitter. Criteria: EGL Classification Definitions 2015. Collection method: clinical testing. Allele origin: germline.

OMIM
Classification: Pathogenic for MCAD DEFICIENCY. Last evaluated: 1991-12-01. Review status: no assertion criteria provided. Collection method: literature only. Allele origin: germline. Not counted in ClinVar's aggregate classification.

Literature cited by the submitters: PubMed 31836396 (cited by Natera, Inc.); PubMed 1684086 (cited by 3 submitters); PubMed 9158144 (cited by Natera, Inc. and Labcorp Genetics (formerly Invitae), Labcorp).

NM_000016.6(ACADM):c.447G>A (p.Met149Ile)

Gene: ACADM (acyl-CoA dehydrogenase medium chain; plus strand). Cytogenetic location: 1p31.1.
Variant type: single nucleotide variant.
Coding change: c.447G>A on transcript NM_000016.6 (MANE Select); coding-DNA position 447, G replaced by A.
Protein change: p.Met149Ile; replaces methionine 149 with isoleucine.
Molecular consequence: missense variant. On other transcripts: intron variant (1).
Genome position (GRCh38, 1-based): chr1:75,734,850, G>A. VCF-style: chr1-75734850-G-A. GRCh37 (hg19) VCF-style: chr1-76200535-G-A.
Other names: c.459G>A, p.Met153Ile (NM_001127328.3); c.339G>A, p.Met113Ile (NM_001286042.2); c.546G>A, p.Met182Ile (NM_001286043.2); c.-100+1928G>A (NM_001286044.2); short protein forms M149I, M153I, M113I, M182I.
Identifiers: ClinVar variation 3591 (VCV000003591.19), dbSNP rs121434277, ClinGen allele CA252830.